The following is an entry in ClinVar:

ClinVar aggregate classification (germline): Uncertain significance (1 of 4 stars; one submission).

gnomAD v4.1: 1 of 1,613,648 alleles (0.000062%); highest among the groups gnomAD compares: South Asian, 0.0011%; no homozygotes.

Submission:

Labcorp Genetics (formerly Invitae), Labcorp
Classification: Uncertain significance. Last evaluated: 2025-12-04. Review status: criteria provided, single submitter. Criteria: Invitae Variant Classification Sherloc (09022015). Collection method: clinical testing. Allele origin: germline.
Comment: This sequence change replaces alanine, which is neutral and non-polar, with serine, which is neutral and polar, at codon 1622 of the KMT2E protein (p.Ala1622Ser). This variant is not present in population databases (gnomAD no frequency). This variant has not been reported in the literature in individuals affected with KMT2E-related conditions. An algorithm developed to predict the effect of missense changes on protein structure and function outputs the following: PolyPhen-2: "Benign". The serine amino acid residue is found in multiple mammalian species, which suggests that this missense change does not adversely affect protein function. In summary, the available evidence is currently insufficient to determine the role of this variant in disease. Therefore, it has been classified as a Variant of Uncertain Significance.

NM_182931.3(KMT2E):c.4864G>T (p.Ala1622Ser)

Gene: KMT2E (lysine methyltransferase 2E (inactive); plus strand). Cytogenetic location: 7q22.3.
Variant type: single nucleotide variant.
Coding change: c.4864G>T on transcript NM_182931.3 (MANE Select); coding-DNA position 4864, G replaced by T.
Protein change: p.Ala1622Ser; replaces alanine 1622 with serine.
Molecular consequence: missense variant.
Genome position (GRCh38, 1-based): chr7:105,112,620, G>T. VCF-style: chr7-105112620-G-T. GRCh37 (hg19) VCF-style: chr7-104753067-G-T.
Other names: c.4738G>T, p.Ala1580Ser (NM_001410908.1); c.4864G>T, p.Ala1622Ser (NM_018682.4); short protein forms A1580S, A1622S.
Identifiers: ClinVar variation 4722292 (VCV004722292.1).
Genomic context (GRCh38, chr7:105,112,620, plus strand): 5'-CACCACGTGACTCCAGGGCATTTTTTGCCCTCTCAGAACCCTACCATTCACCATCAAACT[G>T]CTGCTGCCGTAGTCCCCCCTCCTCCTCCACCACCACCTGCTCCAGGACCGCACCTTGTAC-3'
Protein context (NP_891847.1, residues 1612-1632): SQNPTIHHQT[Ala1622Ser]AAVVPPPPPP